The following is an entry in ClinVar:

ClinVar aggregate classification (germline): Likely benign (1 of 4 stars; one submission).

Submission:

GeneDx
Classification: Likely benign. Last evaluated: 2018-04-17. Review status: criteria provided, single submitter. Criteria: GeneDx Variant Classification (06012015). Collection method: clinical testing. Allele origin: germline. Affected: yes.
Comment: This variant is considered likely benign or benign based on one or more of the following criteria: it is a conservative change, it occurs at a poorly conserved position in the protein, it is predicted to be benign by multiple in silico algorithms, and/or has population frequency not consistent with disease.

NM_001199107.2(TBC1D24):c.1011A>C (p.Ala337=)

Gene: TBC1D24 (TBC1 domain family member 24; plus strand). Cytogenetic location: 16p13.3.
Variant type: single nucleotide variant.
Coding change: c.1011A>C on transcript NM_001199107.2 (MANE Select); coding-DNA position 1011, A replaced by C.
Protein change: p.Ala337=; no amino-acid change (alanine 337 retained).
Molecular consequence: synonymous variant.
Genome position (GRCh38, 1-based): chr16:2,498,265, A>C. VCF-style: chr16-2498265-A-C. GRCh37 (hg19) VCF-style: chr16-2548266-A-C.
Other names: c.993A>C, p.Ala331= (NM_020705.3).
Identifiers: ClinVar variation 681554 (VCV000681554.1), dbSNP rs1596970393, ClinGen allele CA493161862.